The following is an entry in ClinVar:

NM_001151.4(SLC25A4):c.598+18G>C

Gene: SLC25A4 (solute carrier family 25 member 4; plus strand). Cytogenetic location: 4q35.1.
Variant type: single nucleotide variant.
Coding change: c.598+18G>C on transcript NM_001151.4 (MANE Select); 18 bases into the intron after coding-DNA position 598, G replaced by C.
Molecular consequence: intron variant.
Genome position (GRCh38, 1-based): chr4:185,145,268, G>C. VCF-style: chr4-185145268-G-C. GRCh37 (hg19) VCF-style: chr4-186066422-G-C.
Identifiers: ClinVar variation 511467 (VCV000511467.5), dbSNP rs751839874, ClinGen allele CA3156496.

ClinVar aggregate classification (germline): Likely benign. Review status: criteria provided, multiple submitters, no conflicts (2 of 4 stars). 2 submissions from 2 submitters: Likely benign (2). Last evaluated 2022-01-01.

Allele frequency attached by ClinVar (database versions not stated): TOPMed below 0.00001; gnomAD exomes 0.00001; ExAC 0.00002.
gnomAD v4.1: 2 of 1,613,692 alleles (0.00012%); highest among the groups gnomAD compares: Non-Finnish European, 0.00017%; no homozygotes.

Submissions (2):

Labcorp Genetics (formerly Invitae), Labcorp
Classification: Likely benign. Last evaluated: 2022-01-01. Review status: criteria provided, single submitter. Criteria: Invitae Variant Classification Sherloc (09022015). Collection method: clinical testing. Allele origin: germline.

GeneDx
Classification: Likely benign. Last evaluated: 2017-08-17. Review status: criteria provided, single submitter. Criteria: GeneDx Variant Classification (06012015). Collection method: clinical testing. Allele origin: germline. Affected: yes.
Comment: This variant is considered likely benign or benign based on one or more of the following criteria: it is a conservative change, it occurs at a poorly conserved position in the protein, it is predicted to be benign by multiple in silico algorithms, and/or has population frequency not consistent with disease.